The following is an entry in ClinVar:

ClinVar aggregate classification (germline): Uncertain significance (1 of 4 stars; one submission).

Conditions:
Muscular dystrophy-dystroglycanopathy (congenital with brain and eye anomalies), type A9. Also called: WALKER-WARBURG SYNDROME OR MUSCLE-EYE BRAIN DISEASE, DAG1-RELATED; Muscular dystrophy-dystroglycanopathy (congenital with brain and eye anomalies), type a, 9. Identifiers: Orphanet 370997, Orphanet 899, MedGen C4225291, MONDO:0014683, OMIM 616538.
Autosomal recessive limb-girdle muscular dystrophy type 2P. Also called: MUSCULAR DYSTROPHY-DYSTROGLYCANOPATHY, LIMB-GIRDLE, DAG1-RELATED; Limb-Girdle Muscular Dystrophy Type 9C; MUSCULAR DYSTROPHY, LIMB-GIRDLE, TYPE 2P. Identifiers: Orphanet 280333, MedGen C4511963, MONDO:0013440, OMIM 613818.

Allele frequency attached by ClinVar (database versions not stated): TOPMed 0.00002; gnomAD exomes 0.00004; gnomAD 0.00001; ExAC 0.00005.

Submission:

Labcorp Genetics (formerly Invitae), Labcorp
Classification: Uncertain significance for Autosomal recessive limb-girdle muscular dystrophy type 2P; Muscular dystrophy-dystroglycanopathy (congenital with brain and eye anomalies), type A9. Last evaluated: 2025-11-24. Review status: criteria provided, single submitter. Criteria: Invitae Variant Classification Sherloc (09022015). Collection method: clinical testing. Allele origin: germline.
Comment: This sequence change replaces threonine, which is neutral and polar, with alanine, which is neutral and non-polar, at codon 439 of the DAG1 protein (p.Thr439Ala). This variant is present in population databases (rs747370227, gnomAD 0.03%). This missense change has been observed in individual(s) with clinical features of DAG1-related conditions (PMID: 38259611). ClinVar contains an entry for this variant (Variation ID: 1414129). An algorithm developed to predict the effect of missense changes on protein structure and function (PolyPhen-2) suggests that this variant is likely to be tolerated. In summary, the available evidence is currently insufficient to determine the role of this variant in disease. Therefore, it has been classified as a Variant of Uncertain Significance.

Literature cited by the submitters: PubMed 38259611.

NM_004393.6(DAG1):c.1315A>G (p.Thr439Ala)

Gene: DAG1 (dystroglycan 1; plus strand). Cytogenetic location: 3p21.31.
Variant type: single nucleotide variant.
Coding change: c.1315A>G on transcript NM_004393.6 (MANE Select); coding-DNA position 1315, A replaced by G.
Protein change: p.Thr439Ala; replaces threonine 439 with alanine.
Molecular consequence: missense variant.
Genome position (GRCh38, 1-based): chr3:49,531,826, A>G. VCF-style: chr3-49531826-A-G. GRCh37 (hg19) VCF-style: chr3-49569259-A-G.
Other names: c.1315A>G, p.Thr439Ala (NM_001165928.4, NM_001177634.3, NM_001177635.3 and 9 more transcripts); short protein forms T439A.
Identifiers: ClinVar variation 1414129 (VCV001414129.6), dbSNP rs747370227, ClinGen allele CA2399054.